The following is an entry in ClinVar:

NM_000780.4(CYP7A1):c.1469C>T (p.Pro490Leu)

Gene: CYP7A1 (cytochrome P450 family 7 subfamily A member 1; minus strand). Cytogenetic location: 8q12.1.
Variant type: single nucleotide variant.
Coding change: c.1469C>T on transcript NM_000780.4 (MANE Select); coding-DNA position 1469, C replaced by T.
Protein change: p.Pro490Leu; replaces proline 490 with leucine.
Molecular consequence: missense variant.
Genome position (GRCh38, 1-based): chr8:58,491,521, G>A on the plus strand (C>T on the coding strand, the complement: CYP7A1 is on the minus strand). VCF-style: chr8-58491521-G-A. GRCh37 (hg19) VCF-style: chr8-59404080-G-A.
Other names: short protein forms P490L.
Identifiers: ClinVar variation 2084241 (VCV002084241.4), dbSNP rs148977608, ClinGen allele CA4756535.

ClinVar aggregate classification (germline): Uncertain significance (1 of 4 stars; one submission).

gnomAD v4.1: 35 of 1,613,878 alleles (0.0022%); highest among the groups gnomAD compares: East Asian, 0.0045%; no homozygotes.

Submission:

Labcorp Genetics (formerly Invitae), Labcorp
Classification: Uncertain significance. Last evaluated: 2025-10-21. Review status: criteria provided, single submitter. Criteria: Invitae Variant Classification Sherloc (09022015). Collection method: clinical testing. Allele origin: germline.
Comment: This sequence change replaces proline, which is neutral and non-polar, with leucine, which is neutral and non-polar, at codon 490 of the CYP7A1 protein (p.Pro490Leu). This variant is present in population databases (rs148977608, gnomAD 0.03%). This variant has not been reported in the literature in individuals affected with CYP7A1-related conditions. ClinVar contains an entry for this variant (Variation ID: 2084241). Invitae Evidence Modeling of protein sequence and biophysical properties (such as structural, functional, and spatial information, amino acid conservation, physicochemical variation, residue mobility, and thermodynamic stability) indicates that this missense variant is not expected to disrupt CYP7A1 protein function with a negative predictive value of 80%. In summary, the available evidence is currently insufficient to determine the role of this variant in disease. Therefore, it has been classified as a Variant of Uncertain Significance.